The following is an entry in ClinVar:

NM_001283009.2(RTEL1):c.3437C>G (p.Pro1146Arg)

Genes: RTEL1 (regulator of telomere elongation helicase 1; plus strand), RTEL1-TNFRSF6B (RTEL1-TNFRSF6B readthrough (NMD candidate); plus strand). Cytogenetic location: 20q13.33.
Variant type: single nucleotide variant.
Coding change: c.3437C>G on transcript NM_001283009.2 (MANE Select); coding-DNA position 3437, C replaced by G.
Protein change: p.Pro1146Arg; replaces proline 1146 with arginine.
Molecular consequence: missense variant. On other transcripts: non-coding transcript variant (1).
Genome position (GRCh38, 1-based): chr20:63,695,159, C>G. VCF-style: chr20-63695159-C-G. GRCh37 (hg19) VCF-style: chr20-62326512-C-G.
Other names: c.2768C>G, p.Pro923Arg (NM_001283010.1); c.3437C>G, p.Pro1146Arg (NM_016434.4); c.3509C>G, p.Pro1170Arg (NM_032957.5); short protein forms P1146R, P1170R, P923R.
Identifiers: ClinVar variation 977091 (VCV000977091.1), dbSNP rs749331637, ClinGen allele CA409685428.

ClinVar aggregate classification (germline): Uncertain significance (1 of 4 stars; one submission).

Conditions:
Pulmonary fibrosis and/or bone marrow failure, Telomere-related, 3. Also called: PULMONARY FIBROSIS AND/OR BONE MARROW FAILURE SYNDROME, TELOMERE-RELATED, 3. Identifiers: Orphanet 2032, MedGen C4225346, MONDO:0014613, OMIM 616373.

Submission:

Johns Hopkins Genomics, Johns Hopkins University
Classification: Uncertain significance for Pulmonary fibrosis and/or bone marrow failure, Telomere-related, 3. Last evaluated: 2020-06-10. Review status: criteria provided, single submitter. Criteria: ACMG Guidelines, 2015. Collection method: clinical testing. Allele origin: germline.
Comment: This RTEL1 variant is absent from a large population dataset and has not been reported in ClinVar nor the literature, to our knowledge. Three bioinformatic tools queried predict that this substitution would be tolerated, and the proline residue at this position is poorly evolutionarily conserved across all species assessed. Due to insufficient evidence, we consider the clinical significance of c.3437C>G to be uncertain at this time.